The following is an entry in ClinVar:

NM_181872.6(DMRT2):c.629-476A>G

Gene: DMRT2 (doublesex and mab-3 related transcription factor 2; plus strand). Cytogenetic location: 9p24.3.
Variant type: single nucleotide variant.
Coding change: c.629-476A>G on transcript NM_181872.6 (MANE Select); 476 bases into the intron before coding-DNA position 629, A replaced by G.
Molecular consequence: intron variant. On other transcripts: missense variant (5), non-coding transcript variant (1).
Genome position (GRCh38, 1-based): chr9:1,055,740, A>G. VCF-style: chr9-1055740-A-G. GRCh37 (hg19) VCF-style: chr9-1055740-A-G.
Other names: c.647A>G, p.Tyr216Cys (NM_001130865.3, NM_001370531.1, NM_001370533.1 and 2 more transcripts); c.629-476A>G (NM_001387558.1, NM_001387559.1); c.107-476A>G (NM_001370532.1); c.-71-476A>G (NM_001387560.1); short protein forms Y216C.
Identifiers: ClinVar variation 1461330 (VCV001461330.5), dbSNP rs751953407, ClinGen allele CA4962384.

ClinVar aggregate classification (germline): Uncertain significance (1 of 4 stars; one submission).

Allele frequency attached by ClinVar (database versions not stated): TOPMed 0.00001.
gnomAD v4.1: 12 of 1,500,378 alleles (0.0008%); highest among the groups gnomAD compares: Admixed American, 0.0087%; no homozygotes.

Submission:

Labcorp Genetics (formerly Invitae), Labcorp
Classification: Uncertain significance. Last evaluated: 2024-01-18. Review status: criteria provided, single submitter. Criteria: Invitae Variant Classification Sherloc (09022015). Collection method: clinical testing. Allele origin: germline.
Comment: This sequence change replaces tyrosine, which is neutral and polar, with cysteine, which is neutral and slightly polar, at codon 216 of the DMRT2 protein (p.Tyr216Cys). The frequency data for this variant in the population databases is considered unreliable, as metrics indicate poor data quality at this position in the gnomAD database. This variant has not been reported in the literature in individuals affected with DMRT2-related conditions. ClinVar contains an entry for this variant (Variation ID: 1461330). An algorithm developed to predict the effect of missense changes on protein structure and function (PolyPhen-2) suggests that this variant¬†is likely to be tolerated. In summary, the available evidence is currently insufficient to determine the role of this variant in disease. Therefore, it has been classified as a Variant of Uncertain Significance.